The following is an entry in ClinVar:

NM_014714.4(IFT140):c.251A>G (p.Glu84Gly)

Genes: IFT140 (intraflagellar transport 140; minus strand), LOC105371046 (uncharacterized LOC105371046; plus strand). Cytogenetic location: 16p13.3.
Variant type: single nucleotide variant.
Coding change: c.251A>G on transcript NM_014714.4 (MANE Select); coding-DNA position 251, A replaced by G.
Protein change: p.Glu84Gly; replaces glutamic acid 84 with glycine.
Molecular consequence: missense variant.
Genome position (GRCh38, 1-based): chr16:1,602,488, T>C on the plus strand (A>G on the coding strand, the complement: IFT140 is on the minus strand). VCF-style: chr16-1602488-T-C. GRCh37 (hg19) VCF-style: chr16-1652489-T-C.
Other names: short protein forms E84G.
Identifiers: ClinVar variation 1037136 (VCV001037136.7), dbSNP rs755089438, ClinGen allele CA7814765.

ClinVar aggregate classification (germline): Uncertain significance. Review status: criteria provided, multiple submitters, no conflicts (2 of 4 stars). 2 submissions from 2 submitters: Uncertain significance (2). Last evaluated 2022-02-04.

Conditions:
Saldino-Mainzer syndrome (SRTD9). Also called: Renal dysplasia, retinal pigmentary dystrophy, cerebellar ataxia and skeletal dysplasia; SHORT-RIB THORACIC DYSPLASIA 9 WITHOUT POLYDACTYLY; CONORENAL SYNDROME; short-rib thoracic dysplasia 9 with or without polydactyly. Identifiers: Orphanet 140969, MedGen C1849437, MONDO:0009964, OMIM 266920.

gnomAD v4.1: 24 of 1,613,828 alleles (0.0015%); highest among the groups gnomAD compares: South Asian, 0.026%; no homozygotes.

Submissions (2):

Labcorp Genetics (formerly Invitae), Labcorp
Classification: Uncertain significance for Saldino-Mainzer syndrome. Last evaluated: 2022-02-04. Review status: criteria provided, single submitter. Criteria: Invitae Variant Classification Sherloc (09022015). Collection method: clinical testing. Allele origin: germline.
Comment: In summary, the available evidence is currently insufficient to determine the role of this variant in disease. Therefore, it has been classified as a Variant of Uncertain Significance. Algorithms developed to predict the effect of missense changes on protein structure and function (SIFT, PolyPhen-2, Align-GVGD) all suggest that this variant is likely to be tolerated. ClinVar contains an entry for this variant (Variation ID: 1037136). This variant has not been reported in the literature in individuals affected with IFT140-related conditions. This variant is present in population databases (rs755089438, gnomAD 0.03%). This sequence change replaces glutamic acid, which is acidic and polar, with glycine, which is neutral and non-polar, at codon 84 of the IFT140 protein (p.Glu84Gly).

Blueprint Genetics
Classification: Uncertain significance. Last evaluated: 2017-06-29. Review status: criteria provided, single submitter. Criteria: ACMG Guidelines, 2015. Collection method: clinical testing. Allele origin: germline.